The following is an entry in ClinVar:

NM_014855.3(AP5Z1):c.874C>T (p.Arg292Trp)

Gene: AP5Z1 (adaptor related protein complex 5 subunit zeta 1; plus strand). Cytogenetic location: 7p22.1.
Variant type: single nucleotide variant.
Coding change: c.874C>T on transcript NM_014855.3 (MANE Select); coding-DNA position 874, C replaced by T.
Protein change: p.Arg292Trp; replaces arginine 292 with tryptophan.
Molecular consequence: missense variant. On other transcripts: non-coding transcript variant (1).
Genome position (GRCh38, 1-based): chr7:4,784,991, C>T. VCF-style: chr7-4784991-C-T. GRCh37 (hg19) VCF-style: chr7-4824622-C-T.
Other names: c.874C>T, p.Arg292Trp (LRG_1247t1); c.406C>T, p.Arg136Trp (NM_001364858.1); short protein forms R292W, R136W.
Identifiers: ClinVar variation 580702 (VCV000580702.20), dbSNP rs199760184, ClinGen allele CA4137436.

ClinVar aggregate classification (germline): Uncertain significance. Review status: criteria provided, multiple submitters, no conflicts (2 of 4 stars). 7 submissions from 7 submitters: Uncertain significance (5). 2 of the submissions do not count toward it. Last evaluated 2026-03-10.

Conditions:
Hereditary spastic paraplegia. Also called: Familial spastic paraparesis. Identifiers: Orphanet 685, MedGen C0037773, MONDO:0019064. Disease mechanism: loss of function.
Inborn genetic diseases. Identifiers: MedGen C0950123, MeSH D030342.
Hereditary spastic paraplegia 48. Also called: SPASTIC PARAPLEGIA 48, AUTOSOMAL RECESSIVE; Spastic paraplegia 48. Identifiers: Orphanet 306511, MedGen C3150901, MONDO:0013342, OMIM 613647.

Allele frequency attached by ClinVar (database versions not stated): ESP Exome Variant Server 0.00008; TOPMed 0.00022; gnomAD exomes 0.00029 and 0.00036; ExAC 0.00030; gnomAD 0.00036 and 0.00038.
gnomAD v4.1: 576 of 1,611,576 alleles (0.036%); highest among the groups gnomAD compares: Non-Finnish European, 0.044%; 1 homozygote.

Submissions (7):

GeneDx
Classification: Uncertain significance. Last evaluated: 2026-03-10. Review status: criteria provided, single submitter. Criteria: GeneDx Variant Classification Process June 2021. Collection method: clinical testing. Allele origin: germline.
Comment: Reported along with a second variant in the AP5Z1 gene in a patient with sporadic complicated paraplegia; however, segregation data was absent as family members were not available for testing (PMID: 25333062); In silico analysis supports that this missense variant has a deleterious effect on protein structure/function; This variant is associated with the following publications: (PMID: 39059408, 37077568, 25333062)

Mayo Clinic Laboratories, Mayo Clinic
Classification: Uncertain significance. Last evaluated: 2025-09-04. Review status: criteria provided, single submitter. Criteria: ACMG Guidelines, 2015. Collection method: clinical testing. Allele origin: germline. Observed: 4 variant alleles.
Comment: BP4_moderate, PM2_supporting

Labcorp Genetics (formerly Invitae), Labcorp
Classification: Uncertain significance for Hereditary spastic paraplegia 48. Last evaluated: 2022-06-23. Review status: criteria provided, single submitter. Criteria: Invitae Variant Classification Sherloc (09022015). Collection method: clinical testing. Allele origin: germline.
Comment: This sequence change replaces arginine, which is basic and polar, with tryptophan, which is neutral and slightly polar, at codon 292 of the AP5Z1 protein (p.Arg292Trp). This variant is present in population databases (rs199760184, gnomAD 0.06%). This missense change has been observed in individual(s) with complicated hereditary spastic paraplegia (PMID: 25333062). ClinVar contains an entry for this variant (Variation ID: 580702). Algorithms developed to predict the effect of missense changes on protein structure and function output the following: SIFT: "Deleterious"; PolyPhen-2: "Benign"; Align-GVGD: "Class C65". The tryptophan amino acid residue is found in multiple mammalian species, which suggests that this missense change does not adversely affect protein function. In summary, the available evidence is currently insufficient to determine the role of this variant in disease. Therefore, it has been classified as a Variant of Uncertain Significance.

Ambry Genetics
Classification: Uncertain significance for Inborn genetic diseases. Last evaluated: 2021-10-02. Review status: criteria provided, single submitter. Criteria: Ambry Variant Classification Scheme 2023. Collection method: clinical testing. Allele origin: germline.
Comment: Schlipf, 2014 Based on insufficient or conflicting evidence, the clinical significance of this alteration remains unclear.

Genome Diagnostics Laboratory, The Hospital for Sick Children
Classification: Uncertain significance for Hereditary spastic paraplegia. Last evaluated: 2020-04-01. Review status: criteria provided, single submitter. Criteria: ACMG Guidelines, 2015. Collection method: clinical testing. Allele origin: germline. Affected: yes.

Clinical Genetics DNA and cytogenetics Diagnostics Lab, Erasmus MC, Erasmus Medical Center
Classification: Uncertain significance. Review status: no assertion criteria provided. Collection method: clinical testing. Allele origin: germline. Affected: yes. Study: VKGL Data-share Consensus. Not counted in ClinVar's aggregate classification.

Joint Genome Diagnostic Labs from Nijmegen and Maastricht, Radboudumc and MUMC+
Classification: Uncertain significance. Review status: no assertion criteria provided. Collection method: clinical testing. Allele origin: germline. Affected: yes. Study: VKGL Data-share Consensus. Not counted in ClinVar's aggregate classification.

Literature cited by the submitters: PubMed 25333062 (cited by 3 submitters); PubMed 37077568 (cited by Mayo Clinic Laboratories, Mayo Clinic).